The following is an entry in ClinVar:

NM_001876.4(CPT1A):c.160G>T (p.Val54Leu)

Gene: CPT1A (carnitine palmitoyltransferase 1A; minus strand). Cytogenetic location: 11q13.3.
Variant type: single nucleotide variant.
Coding change: c.160G>T on transcript NM_001876.4 (MANE Select); coding-DNA position 160, G replaced by T.
Protein change: p.Val54Leu; replaces valine 54 with leucine.
Molecular consequence: missense variant.
Genome position (GRCh38, 1-based): chr11:68,812,558, C>A on the plus strand (G>T on the coding strand, the complement: CPT1A is on the minus strand). VCF-style: chr11-68812558-C-A. GRCh37 (hg19) VCF-style: chr11-68580026-C-A.
Other names: c.160G>T, p.Val54Leu (NM_001031847.3); short protein forms V54L.
Identifiers: ClinVar variation 969256 (VCV000969256.18), dbSNP rs147389938, ClinGen allele CA6152758.

ClinVar aggregate classification (germline): Conflicting classifications of pathogenicity. Review status: criteria provided, conflicting classifications (1 of 4 stars). 6 submissions from 6 submitters: Uncertain significance (2); Likely benign (2). 2 of the submissions do not count toward it. Last evaluated 2026-01-27.

Conditions:
Inborn genetic diseases. Identifiers: MedGen C0950123, MeSH D030342.
CPT1A-related disorder. Also called: CPT1A-related condition.
Carnitine palmitoyl transferase 1A deficiency. Also called: Carnitine palmitoyltransferase 1A deficiency; CPT deficiency, hepatic, type IA; CPT I DEFICIENCY; CPT DEFICIENCY, HEPATIC, TYPE I; Carnitine palmitoyltransferase type I deficiency. Identifiers: Orphanet 156, MedGen C1829703, MONDO:0009705, OMIM 255120.

Allele frequency attached by ClinVar (database versions not stated): 1000 Genomes Project 30x 0.00016; 1000 Genomes Project 0.00020; ESP Exome Variant Server 0.00023; TOPMed 0.00031.
gnomAD v4.1: 610 of 1,614,158 alleles (0.038%); highest among the groups gnomAD compares: Admixed American, 0.067%; 1 homozygote.

Submissions (6):

Labcorp Genetics (formerly Invitae), Labcorp
Classification: Likely benign for Carnitine palmitoyl transferase 1A deficiency. Last evaluated: 2026-01-27. Review status: criteria provided, single submitter. Criteria: Invitae Variant Classification Sherloc (09022015). Collection method: clinical testing. Allele origin: germline.

Department of Pathology and Laboratory Medicine, Sinai Health System
Classification: Uncertain significance for carnitine palmitoyl transferase 1A deficiency. Last evaluated: 2022-04-01. Review status: criteria provided, single submitter. Criteria: ACMG Guidelines, 2015. Collection method: research. Allele origin: germline.

Ambry Genetics
Classification: Likely benign for Inborn genetic diseases. Last evaluated: 2022-01-14. Review status: criteria provided, single submitter. Criteria: Ambry Variant Classification Scheme 2023. Collection method: clinical testing. Allele origin: germline.

GeneDx
Classification: Uncertain significance. Last evaluated: 2019-04-30. Review status: criteria provided, single submitter. Criteria: GeneDx Variant Classification Process June 2021. Collection method: clinical testing. Allele origin: germline. Affected: yes.
Comment: In silico analysis, which includes protein predictors and evolutionary conservation, supports a deleterious effect; Has not been previously published as pathogenic or benign to our knowledge; This variant is associated with the following publications: (PMID: 29429925)

PreventionGenetics, part of Exact Sciences
Classification: Likely benign for CPT1A-related condition. Last evaluated: 2024-09-24. Review status: no assertion criteria provided. Collection method: clinical testing. Allele origin: germline. Not counted in ClinVar's aggregate classification.
Comment: This variant is classified as likely benign based on ACMG/AMP sequence variant interpretation guidelines (Richards et al. 2015 PMID: 25741868, with internal and published modifications).

Natera, Inc.
Classification: Uncertain significance for Carnitine palmitoyltransferase type I deficiency. Last evaluated: 2020-01-17. Review status: no assertion criteria provided. Collection method: clinical testing. Allele origin: germline. Not counted in ClinVar's aggregate classification.